The following is an entry in ClinVar:

NM_001163278.2(TENM1):c.7419T>G (p.Thr2473=)

Gene: TENM1 (teneurin transmembrane protein 1; minus strand). Cytogenetic location: Xq25.
Variant type: single nucleotide variant.
Coding change: c.7419T>G on transcript NM_001163278.2 (MANE Select); coding-DNA position 7419, T replaced by G.
Protein change: p.Thr2473=; no amino-acid change (threonine 2473 retained).
Molecular consequence: synonymous variant.
Genome position (GRCh38, 1-based): chrX:124,382,691, A>C on the plus strand (T>G on the coding strand, the complement: TENM1 is on the minus strand). VCF-style: chrX-124382691-A-C. GRCh37 (hg19) VCF-style: chrX-123516541-A-C.
Other names: c.7416T>G, p.Thr2472= (NM_001163279.1); c.7398T>G, p.Thr2466= (NM_014253.3).
Identifiers: ClinVar variation 3053729 (VCV003053729.2), dbSNP rs202013155, ClinGen allele CA10509411.

ClinVar aggregate classification (germline): Likely benign (0 of 4 stars; one submission).

Conditions:
TENM1-related disorder. Also called: TENM1-related condition.

Allele frequency attached by ClinVar (database versions not stated): TOPMed 0.00004; ESP Exome Variant Server 0.00009; gnomAD 0.00019; gnomAD exomes 0.00040; ExAC 0.00086; 1000 Genomes Project 30x 0.00146; 1000 Genomes Project 0.00185.
gnomAD v4.1: 453 of 1,204,293 alleles (0.038%); highest among the groups gnomAD compares: South Asian, 0.62%; no homozygotes.

Submission:

PreventionGenetics, part of Exact Sciences
Classification: Likely benign for TENM1-related condition. Last evaluated: 2019-04-24. Review status: no assertion criteria provided. Collection method: clinical testing. Allele origin: germline.
Comment: This variant is classified as likely benign based on ACMG/AMP sequence variant interpretation guidelines (Richards et al. 2015 PMID: 25741868, with internal and published modifications).